The following is an entry in ClinVar:

NM_001267550.2(TTN):c.72688G>T (p.Glu24230Ter)

Genes: TTN-AS1 (TTN antisense RNA 1; plus strand), TTN (titin; minus strand). Cytogenetic location: 2q31.2.
Variant type: single nucleotide variant.
Coding change: c.72688G>T on transcript NM_001267550.2 (MANE Select); coding-DNA position 72688, G replaced by T.
Protein change: p.Glu24230Ter; replaces glutamic acid 24230 with a stop codon.
Molecular consequence: nonsense.
Genome position (GRCh38, 1-based): chr2:178,573,444, C>A on the plus strand (G>T on the coding strand, the complement: TTN is on the minus strand). VCF-style: chr2-178573444-C-A. GRCh37 (hg19) VCF-style: chr2-179438171-C-A.
Other names: c.67765G>T, p.Glu22589Ter (NM_001256850.1); c.45493G>T, p.Glu15165Ter (NM_003319.4); c.64984G>T, p.Glu21662Ter (NM_133378.4); c.45868G>T, p.Glu15290Ter (NM_133432.3); c.46069G>T, p.Glu15357Ter (NM_133437.4); short protein forms E15165*, E15290*, E15357*, E21662*, E22589*, E24230*.
Identifiers: ClinVar variation 1678568 (VCV001678568.2), dbSNP rs2154170836, ClinGen allele CA349646027.
Genomic context (GRCh38, chr2:178,573,444, plus strand): 5'-CATCAGAATCAGGATGTCCCCAGCAGACAACCATCGAATCTTTAGTAATAGTTGTCACTT[C>A]AGGGTTTTTGGGCGGATCAGGGGGTCCATAAGGATTCACTGCAAGCACAGGCTCTGATTC-3'

ClinVar aggregate classification (germline): Likely pathogenic (1 of 4 stars; one submission).

Conditions:
Autosomal recessive limb-girdle muscular dystrophy type 2J (LGMDR10). Also called: Limb-girdle muscular dystrophy, type 2J; MUSCULAR DYSTROPHY, LIMB-GIRDLE, AUTOSOMAL RECESSIVE 10. Identifiers: Orphanet 140922, MedGen C1837342, MONDO:0012127, OMIM 608807.

Submission:

Molecular Genetics, Royal Melbourne Hospital
Classification: Likely pathogenic for Autosomal recessive limb-girdle muscular dystrophy type 2J. Last evaluated: 2023-03-30. Review status: criteria provided, single submitter. Criteria: ACMG Guidelines, 2015. Collection method: clinical testing. Allele origin: germline. Affected: yes.
Comment: This sequence change creates a premature termination codon (PTC) at position 24230 in exon 326 (of 363) of TTN, p.(Glu24230*), also known as p.(Glu15165*). The PTC is in a constitutively expressed exon in skeletal and heart muscle, and is expected to result in an absent or disrupted protein product. Loss of function is an established mechanism of disease for TTN (PVS1_Strong). The variant is absent in a large population cohort (gnomAD v2.1). It has not been reported previously in relevant medical literature or databases. Based on the classification scheme RMH ACMG Guidelines v1.1.1, this variant is classified as LIKELY PATHOGENIC. Following criteria are met: PVS1_Strong, PM2.